The following is an entry in ClinVar:

NM_000170.3(GLDC):c.2869T>C (p.Ser957Pro)

Gene: GLDC (glycine decarboxylase; minus strand). Cytogenetic location: 9p24.1.
Variant type: single nucleotide variant.
Coding change: c.2869T>C on transcript NM_000170.3 (MANE Select); coding-DNA position 2869, T replaced by C.
Protein change: p.Ser957Pro; replaces serine 957 with proline.
Molecular consequence: missense variant.
Genome position (GRCh38, 1-based): chr9:6,534,758, A>G on the plus strand (T>C on the coding strand, the complement: GLDC is on the minus strand). VCF-style: chr9-6534758-A-G. GRCh37 (hg19) VCF-style: chr9-6534758-A-G.
Other names: short protein forms S957P.
Identifiers: ClinVar variation 56090 (VCV000056090.36), dbSNP rs386833571, ClinGen allele CA263403.

ClinVar aggregate classification (germline): Uncertain significance. Review status: criteria provided, multiple submitters, no conflicts (2 of 4 stars). 4 submissions from 4 submitters: Uncertain significance (3). 1 of the submissions does not count toward it. Last evaluated 2024-09-24.

Conditions:
Glycine encephalopathy. Also called: Nonketotic hyperglycinemia; Non-ketotic hyperglycinemia. Identifiers: Orphanet 407, MedGen C0751748, MONDO:0011612, HP:0008288.

Allele frequency attached by ClinVar (database versions not stated): gnomAD exomes below 0.00001 and 0.00001; ExAC 0.00002.
gnomAD v4.1: 6 of 1,607,502 alleles (0.00037%); highest among the groups gnomAD compares: Non-Finnish European, 0.00051%; no homozygotes.

Submissions (4):

Women's Health and Genetics/Laboratory Corporation of America, LabCorp
Classification: Uncertain significance. Last evaluated: 2024-09-24. Review status: criteria provided, single submitter. Criteria: LabCorp Variant Classification Summary - May 2015. Collection method: clinical testing. Allele origin: germline.
Comment: Variant summary: GLDC c.2869T>C (p.Ser957Pro) results in a non-conservative amino acid change in the encoded protein sequence. Five of five in-silico tools predict a damaging effect of the variant on protein function. The variant allele was found at a frequency of 8e-06 in 251212 control chromosomes. The available data on variant occurrences in the general population are insufficient to allow any conclusion about variant significance. c.2869T>C has been reported in the literature in an heterozygous individual affected with Glycine Encephalopathy (Non-Ketotic Hyperglycinemia) with the second allele change unknown (Conter_2006). These report(s) do not provide unequivocal conclusions about association of the variant with Glycine Encephalopathy (Non-Ketotic Hyperglycinemia). To our knowledge, no experimental evidence demonstrating an impact on protein function has been reported. The following publication have been ascertained in the context of this evaluation (PMID: 16601880). ClinVar contains an entry for this variant (Variation ID: 56090). Based on the evidence outlined above, the variant was classified as uncertain significance.

Labcorp Genetics (formerly Invitae), Labcorp
Classification: Uncertain significance for Glycine encephalopathy. Last evaluated: 2021-09-01. Review status: criteria provided, single submitter. Criteria: Invitae Variant Classification Sherloc (09022015). Collection method: clinical testing. Allele origin: germline.
Comment: This sequence change replaces serine with proline at codon 957 of the GLDC protein (p.Ser957Pro). The serine residue is highly conserved and there is a moderate physicochemical difference between serine and proline. This variant is present in population databases (rs386833571, ExAC 0.003%). This missense change has been observed in individual(s) with glycine encephalopathy (PMID: 16601880; Invitae). ClinVar contains an entry for this variant (Variation ID: 56090). Advanced modeling of protein sequence and biophysical properties (such as structural, functional, and spatial information, amino acid conservation, physicochemical variation, residue mobility, and thermodynamic stability) performed at Invitae indicates that this missense variant is not expected to disrupt GLDC protein function. In summary, the available evidence is currently insufficient to determine the role of this variant in disease. Therefore, it has been classified as a Variant of Uncertain Significance.

CeGaT Center for Human Genetics Tuebingen
Classification: Uncertain significance. Last evaluated: 2020-06-01. Review status: criteria provided, single submitter. Criteria: CeGaT Center For Human Genetics Tuebingen Variant Classification Criteria Version 2. Collection method: clinical testing. Allele origin: germline. Affected: yes. Observed: 2 variant alleles.

Juha Muilu Group; Institute for Molecular Medicine Finland (FIMM)
Classification: Likely pathogenic for Non-ketotic hyperglycinemia. Review status: no assertion criteria provided. Collection method: not provided. Allele origin: unknown. Not counted in ClinVar's aggregate classification.
Comment: FinDis database variant: This variant was not found or characterized by our laboratory, data were collected from public sources: see reference
ClinVar note: Converted during submission from probable-pathogenic to Likely pathogenic.

Literature cited by the submitters: PubMed 16601880 (cited by Women's Health and Genetics/Laboratory Corporation of America, LabCorp and Labcorp Genetics (formerly Invitae), Labcorp).